The following is an entry in ClinVar:

NM_152594.3(SPRED1):c.1307G>C (p.Cys436Ser)

Gene: SPRED1 (sprouty related EVH1 domain containing 1; plus strand). Cytogenetic location: 15q14.
Variant type: single nucleotide variant.
Coding change: c.1307G>C on transcript NM_152594.3 (MANE Select); coding-DNA position 1307, G replaced by C.
Protein change: p.Cys436Ser; replaces cysteine 436 with serine.
Molecular consequence: missense variant.
Genome position (GRCh38, 1-based): chr15:38,351,636, G>C. VCF-style: chr15-38351636-G-C. GRCh37 (hg19) VCF-style: chr15-38643837-G-C.
Other names: short protein forms C436S.
Identifiers: ClinVar variation 2817829 (VCV002817829.3), dbSNP rs772421738, ClinGen allele CA391934815.

ClinVar aggregate classification (germline): Uncertain significance (1 of 4 stars; one submission).

Conditions:
Legius syndrome. Identifiers: Orphanet 137605, MedGen C1969623, MONDO:0012669, OMIM 611431. Disease mechanism: loss of function.

Submission:

Labcorp Genetics (formerly Invitae), Labcorp
Classification: Uncertain significance for Legius syndrome. Last evaluated: 2022-12-02. Review status: criteria provided, single submitter. Criteria: Invitae Variant Classification Sherloc (09022015). Collection method: clinical testing. Allele origin: germline.
Comment: In summary, the available evidence is currently insufficient to determine the role of this variant in disease. Therefore, it has been classified as a Variant of Uncertain Significance. Advanced modeling of protein sequence and biophysical properties (such as structural, functional, and spatial information, amino acid conservation, physicochemical variation, residue mobility, and thermodynamic stability) performed at Invitae indicates that this missense variant is expected to disrupt SPRED1 protein function. This variant has not been reported in the literature in individuals affected with SPRED1-related conditions. This variant is not present in population databases (gnomAD no frequency). This sequence change replaces cysteine, which is neutral and slightly polar, with serine, which is neutral and polar, at codon 436 of the SPRED1 protein (p.Cys436Ser).